The following is an entry in ClinVar:

ClinVar aggregate classification (germline): Uncertain significance (0 of 4 stars; one submission).

Conditions:
RAI1-related disorder. Also called: RAI1-related condition.

Submission:

PreventionGenetics, part of Exact Sciences
Classification: Uncertain significance for RAI1-related condition. Last evaluated: 2024-04-26. Review status: no assertion criteria provided. Collection method: clinical testing. Allele origin: germline.
Comment: The RAI1 c.4078T>C variant is predicted to result in the amino acid substitution p.Ser1360Pro. To our knowledge, this variant has not been reported in the literature or in a large population database, indicating this variant is rare. At this time, the clinical significance of this variant is uncertain due to the absence of conclusive functional and genetic evidence.

NM_030665.4(RAI1):c.4078T>C (p.Ser1360Pro)

Gene: RAI1 (retinoic acid induced 1; plus strand). Cytogenetic location: 17p11.2.
Variant type: single nucleotide variant.
Coding change: c.4078T>C on transcript NM_030665.4 (MANE Select); coding-DNA position 4078, T replaced by C.
Protein change: p.Ser1360Pro; replaces serine 1360 with proline.
Molecular consequence: missense variant.
Genome position (GRCh38, 1-based): chr17:17,797,026, T>C. VCF-style: chr17-17797026-T-C. GRCh37 (hg19) VCF-style: chr17-17700340-T-C.
Other names: short protein forms S1360P.
Identifiers: ClinVar variation 3355191 (VCV003355191.1).